The following is an entry in ClinVar:

NM_000717.5(CA4):c.836G>C (p.Arg279Pro)

Gene: CA4 (carbonic anhydrase 4; plus strand). Cytogenetic location: 17q23.1.
Variant type: single nucleotide variant.
Coding change: c.836G>C on transcript NM_000717.5 (MANE Select); coding-DNA position 836, G replaced by C.
Protein change: p.Arg279Pro; replaces arginine 279 with proline.
Molecular consequence: missense variant. On other transcripts: non-coding transcript variant (1).
Genome position (GRCh38, 1-based): chr17:60,159,321, G>C. VCF-style: chr17-60159321-G-C. GRCh37 (hg19) VCF-style: chr17-58236682-G-C.
Other names: short protein forms R279P.
Identifiers: ClinVar variation 1399909 (VCV001399909.7), dbSNP rs372344598, ClinGen allele CA8685553.

ClinVar aggregate classification (germline): Uncertain significance. Review status: criteria provided, multiple submitters, no conflicts (2 of 4 stars). 2 submissions from 2 submitters: Uncertain significance (2). Last evaluated 2024-03-01.

Submissions (2):

Blueprint Genetics
Classification: Uncertain significance. Last evaluated: 2024-03-01. Review status: criteria provided, single submitter. Criteria: ACMG Guidelines, 2015. Collection method: clinical testing. Allele origin: germline.

Labcorp Genetics (formerly Invitae), Labcorp
Classification: Uncertain significance. Last evaluated: 2020-12-24. Review status: criteria provided, single submitter. Criteria: Invitae Variant Classification Sherloc (09022015). Collection method: clinical testing. Allele origin: germline.
Comment: In summary, the available evidence is currently insufficient to determine the role of this variant in disease. Therefore, it has been classified as a Variant of Uncertain Significance. Algorithms developed to predict the effect of missense changes on protein structure and function are either unavailable or do not agree on the potential impact of this missense change (SIFT: "Not Available"; PolyPhen-2: "Probably Damaging"; Align-GVGD: "Not Available"). This variant has not been reported in the literature in individuals with CA4-related conditions. This variant is present in population databases (rs372344598, ExAC 0.008%). This sequence change replaces arginine with proline at codon 279 of the CA4 protein (p.Arg279Pro). The arginine residue is highly conserved and there is a moderate physicochemical difference between arginine and proline.